The following is an entry in ClinVar:

NM_000051.4(ATM):c.2383C>A (p.Pro795Thr)

Gene: ATM (ATM serine/threonine kinase; plus strand). Cytogenetic location: 11q22.3.
Variant type: single nucleotide variant.
Coding change: c.2383C>A on transcript NM_000051.4 (MANE Select); coding-DNA position 2383, C replaced by A.
Protein change: p.Pro795Thr; replaces proline 795 with threonine.
Molecular consequence: missense variant.
Genome position (GRCh38, 1-based): chr11:108,258,992, C>A. VCF-style: chr11-108258992-C-A. GRCh37 (hg19) VCF-style: chr11-108129719-C-A.
Other names: c.2383C>A, p.Pro795Thr (NM_001351834.2); short protein forms P795T.
Identifiers: ClinVar variation 2679710 (VCV002679710.5), dbSNP rs1060501651, ClinGen allele CA382541033.

ClinVar aggregate classification (germline): Uncertain significance. Review status: criteria provided, multiple submitters, no conflicts (2 of 4 stars). 3 submissions from 3 submitters: Uncertain significance (3). Last evaluated 2026-06-11.

Conditions:
Hereditary cancer-predisposing syndrome. Also called: Tumor predisposition; Hereditary neoplastic syndrome; Neoplastic Syndromes, Hereditary; Hereditary Cancer Syndrome. Identifiers: Orphanet 140162, MedGen C0027672, MeSH D009386, MONDO:0015356.
Familial cancer of breast. Also called: hereditary breast carcinoma; Hereditary breast cancer; BREAST CANCER, FAMILIAL. Identifiers: Orphanet 227535, MedGen C0346153, MONDO:0016419, OMIM 114480. Disease mechanism: loss of function.
Ataxia-telangiectasia syndrome (AT). Also called: Ataxia-telangiectasia, complementation group E; Ataxia-telangiectasia, complementation group D; LOUIS-BAR SYNDROME; AT, COMPLEMENTATION GROUP C; Cerebello-oculocutaneous telangiectasia; Immunodeficiency with ataxia telangiectasia. Identifiers: Orphanet 100, MedGen C0004135, MONDO:0008840, OMIM 208900.

Allele frequency attached by ClinVar (database versions not stated): gnomAD 0.00001; gnomAD exomes below 0.00001.
gnomAD v4.1: 3 of 1,612,628 alleles (0.00019%); highest among the groups gnomAD compares: African/African-American, 0.0027%; no homozygotes.

Submissions (3):

Ambry Genetics
Classification: Uncertain significance for Hereditary cancer-predisposing syndrome. Last evaluated: 2026-06-11. Review status: criteria provided, single submitter. Criteria: Ambry Variant Classification Scheme 2023. Collection method: clinical testing. Allele origin: germline.
Comment: The p.P795T variant (also known as c.2383C>A), located in coding exon 15 of the ATM gene, results from a C to A substitution at nucleotide position 2383. The proline at codon 795 is replaced by threonine, an amino acid with highly similar properties. In an assay testing ATM function, this variant showed a functionally normal result (Lee KS et al. Cell, 2025 Sep;188:5081-5099.e27). This amino acid position is well conserved in available vertebrate species. In addition, the in silico prediction for this alteration is inconclusive. Based on the available evidence, the clinical significance of this variant remains unclear.

Baylor Genetics
Classification: Uncertain significance for Familial cancer of breast. Last evaluated: 2023-06-22. Review status: criteria provided, single submitter. Criteria: ACMG Guidelines, 2015. Collection method: clinical testing. Allele origin: unknown.

Labcorp Genetics (formerly Invitae), Labcorp
Classification: Uncertain significance for Ataxia-telangiectasia syndrome. Last evaluated: 2023-02-15. Review status: criteria provided, single submitter. Criteria: Invitae Variant Classification Sherloc (09022015). Collection method: clinical testing. Allele origin: germline.
Comment: This sequence change replaces proline, which is neutral and non-polar, with threonine, which is neutral and polar, at codon 795 of the ATM protein (p.Pro795Thr). This variant is not present in population databases (gnomAD no frequency). This missense change has been observed in individual(s) with ATM-related conditions (PMID: 17124347). An algorithm developed to predict the effect of missense changes on protein structure and function (PolyPhen-2) suggests that this variant is likely to be tolerated. In summary, the available evidence is currently insufficient to determine the role of this variant in disease. Therefore, it has been classified as a Variant of Uncertain Significance.

Literature cited by the submitters: PubMed 40580951 (cited by Ambry Genetics); PubMed 17124347 (cited by Labcorp Genetics (formerly Invitae), Labcorp).